The following is an entry in ClinVar:

ClinVar aggregate classification (germline): Likely benign. Review status: criteria provided, multiple submitters, no conflicts (2 of 4 stars). 3 submissions from 3 submitters: Likely benign (3). Last evaluated 2023-05-01.

Conditions:
Pontoneocerebellar hypoplasia. Also called: Non-syndromic pontocerebellar hypoplasia; Pontocerebellar hypoplasia. Identifiers: Orphanet 98523, MedGen C1261175, MONDO:0020135.

Allele frequency attached by ClinVar (database versions not stated): gnomAD exomes 0.00176; 1000 Genomes Project 0.00280; gnomAD 0.00306 and 0.00317; 1000 Genomes Project 30x 0.00312; TOPMed 0.00375.
gnomAD v4.1: 1,508 of 853,008 alleles (0.18%); highest among the groups gnomAD compares: Middle Eastern, 2.7%; 9 homozygotes.

Submissions (3):

CeGaT Center for Human Genetics Tuebingen
Classification: Likely benign. Last evaluated: 2023-05-01. Review status: criteria provided, single submitter. Criteria: CeGaT Center For Human Genetics Tuebingen Variant Classification Criteria Version 2. Collection method: clinical testing. Allele origin: germline. Affected: yes. Observed: 2 variant alleles.
Comment: TSEN54: BS2

Illumina Laboratory Services, Illumina
Classification: Likely benign for Pontoneocerebellar hypoplasia. Last evaluated: 2018-01-13. Review status: criteria provided, single submitter. Criteria: ICSL Variant Classification Criteria 13 December 2019. Collection method: clinical testing. Allele origin: germline.
Comment: This variant was observed in the ICSL laboratory as part of a predisposition screen in an ostensibly healthy population. It had not been previously curated by ICSL or reported in the Human Gene Mutation Database (HGMD: prior to June 1st, 2018), and was therefore a candidate for classification through an automated scoring system. Utilizing variant allele frequency, disease prevalence and penetrance estimates, and inheritance mode, an automated score was calculated to assess if this variant is too frequent to cause the disease. Based on the score and internal cut-off values, a variant classified as likely benign is not then subjected to further curation. The score for this variant resulted in a classification of likely benign for this disease.

Breakthrough Genomics
Classification: Likely benign. Review status: criteria provided, single submitter. Criteria: ACMG Guidelines, 2015. Collection method: not provided. Allele origin: germline. Inheritance: Autosomal recessive inheritance. Affected: yes.

NM_207346.3(TSEN54):c.*169T>C

Gene: TSEN54 (tRNA splicing endonuclease subunit 54; plus strand). Cytogenetic location: 17q25.1.
Variant type: single nucleotide variant.
Coding change: c.*169T>C on transcript NM_207346.3 (MANE Select); 169 bases downstream of the stop codon, T replaced by C.
Molecular consequence: 3 prime UTR variant.
Genome position (GRCh38, 1-based): chr17:75,524,581, T>C. VCF-style: chr17-75524581-T-C. GRCh37 (hg19) VCF-style: chr17-73520662-T-C.
Identifiers: ClinVar variation 325100 (VCV000325100.30), dbSNP rs111972085, ClinGen allele CA8764504.